The following is an entry in ClinVar:

ClinVar aggregate classification (germline): Pathogenic (1 of 4 stars; one submission).

Submission:

GeneDx
Classification: Pathogenic. Last evaluated: 2026-07-14. Review status: criteria provided, single submitter. Criteria: GeneDx Variant Classification Process June 2021. Collection method: clinical testing. Allele origin: germline.
Comment: Frameshift variant predicted to result in protein truncation or nonsense mediated decay in a gene for which loss of function is a known mechanism of disease; Not observed at significant frequency in large population cohorts (gnomAD); Has not been previously published as pathogenic or benign to our knowledge

NM_001370785.2(LRRC7):c.3550_3551insT (p.Pro1184fs)

Genes: LRRC7 (leucine rich repeat containing 7; plus strand), LRRC7-AS1 (LRRC7 antisense RNA 1; minus strand). Cytogenetic location: 1p31.1.
Variant type: Insertion.
Coding change: c.3550_3551insT on transcript NM_001370785.2 (MANE Select); coding-DNA positions 3550 to 3551, T inserted.
Protein change: p.Pro1184fs; shifts the reading frame from proline 1184.
Molecular consequence: frameshift variant.
Genome position: GRCh38 VCF-style: chr1-70039374-C-CT. GRCh37 (hg19) VCF-style: chr1-70505057-C-CT.
Other names: NM_020794.2:c.3436_3437insT; c.3451_3452insT, p.Pro1151fs (NM_001330635.3, NM_001366841.1); c.3553_3554insT, p.Pro1185fs (NM_001350216.3); c.3550_3551insT, p.Pro1184fs (NM_001366838.3); c.3391_3392insT, p.Pro1131fs (NM_001366839.3); short protein forms P1131fs, P1151fs, P1184fs, P1185fs.
Identifiers: ClinVar variation 3342901 (VCV003342901.2).
Genomic context (GRCh38, chr1:70,039,374, plus strand): 5'-GCCATGTTTAGAAGGGTCAATGAGCCTCATGAGCTGCCCCCAACTGATAGGTACGGCAGA[C>CT]CCCCATATAGGGGAGGGCTGGATCGCCAAAGCAGCGTTACAGTGACTGAGTCCCAGTTCC-3'